The following is an entry in ClinVar:

ClinVar aggregate classification (germline): Pathogenic/Likely pathogenic. Review status: criteria provided, multiple submitters, no conflicts (2 of 4 stars). 2 submissions from 2 submitters: Pathogenic (1); Likely pathogenic (1). Last evaluated 2015-04-01.

Conditions:
Cleidocranial dysostosis (CLCD1). Also called: cleidocranial dysplasia 1; Cleidocranial Dysplasia Spectrum Disorder; Marie-Sainton disease. Identifiers: Orphanet 1452, MedGen C0008928, MONDO:0007340, OMIM 119600.

Submissions (2):

Programa de Pós-Graduação em Ciências Genômicas e Biotecnologia, Universidade Católica de Brasília
Classification: Pathogenic for Cleidocranial dysplasia. Last evaluated: 2015-04-01. Review status: criteria provided, single submitter. Criteria: Submitter's publication. Collection method: research. Allele origin: de novo. Affected: yes.

Juno Genomics, Hangzhou Juno Genomics, Inc
Classification: Likely pathogenic for Cleidocranial dysostosis. Review status: criteria provided, single submitter. Criteria: ACMG Guidelines, 2015. Collection method: clinical testing. Allele origin: germline. Affected: yes.
Comment: Absent from controls (or at extremely low frequency if recessive) in Genome Aggregation Database, Exome Sequencing Project, 1000 Genomes Project, or Exome Aggregation Consortium.;Multiple lines of computational evidence support a deleterious effect on the gene or gene product (conservation, evolutionary, splicing impact, etc).;The prevalence of the variant in affected individuals is significantly increased compared to the prevalence in controls.

NM_001024630.4(RUNX2):c.476G>A (p.Gly159Asp)

Gene: RUNX2 (RUNX family transcription factor 2; plus strand). Cytogenetic location: 6p21.1.
Variant type: single nucleotide variant.
Coding change: c.476G>A on transcript NM_001024630.4 (MANE Select); coding-DNA position 476, G replaced by A.
Protein change: p.Gly159Asp; replaces glycine 159 with aspartic acid.
Molecular consequence: missense variant.
Genome position (GRCh38, 1-based): chr6:45,431,915, G>A. VCF-style: chr6-45431915-G-A. GRCh37 (hg19) VCF-style: chr6-45399652-G-A.
Other names: c.476G>A, p.Gly159Asp (NM_001015051.4); c.434G>A, p.Gly145Asp (NM_001278478.2, NM_001369405.1); short protein forms G159D, G145D.
Identifiers: ClinVar variation 208165 (VCV000208165.4), dbSNP rs864621970, ClinGen allele CA339769.
Genomic context (GRCh38, chr6:45,431,915, plus strand): 5'-TTATGTAGGTGGTAGCCCTCGGAGAGGTACCAGATGGGACTGTGGTTACTGTCATGGCGG[G>A]TAACGATGAAAATTATTCTGCTGAGCTCCGGAATGCCTCTGCTGTTATGAAAAACCAAGT-3'
Protein context (NP_001019801.3, residues 149-169): PDGTVVTVMA[Gly159Asp]NDENYSAELR